The following is an entry in ClinVar:

NM_014874.4(MFN2):c.1003A>G (p.Met335Val)

Gene: MFN2 (mitofusin 2; plus strand). Cytogenetic location: 1p36.22.
Variant type: single nucleotide variant.
Coding change: c.1003A>G on transcript NM_014874.4 (MANE Select); coding-DNA position 1003, A replaced by G.
Protein change: p.Met335Val; replaces methionine 335 with valine.
Molecular consequence: missense variant.
Genome position (GRCh38, 1-based): chr1:12,001,801, A>G. VCF-style: chr1-12001801-A-G. GRCh37 (hg19) VCF-style: chr1-12061858-A-G.
Other names: c.1003A>G, p.Met335Val (NM_001127660.2); short protein forms M335V.
Identifiers: ClinVar variation 582015 (VCV000582015.12), dbSNP rs1557527886, ClinGen allele CA338442292.

ClinVar aggregate classification (germline): Uncertain significance. Review status: criteria provided, multiple submitters, no conflicts (2 of 4 stars). 2 submissions from 2 submitters: Uncertain significance (2). Last evaluated 2024-09-11.

Conditions:
Inborn genetic diseases. Identifiers: MedGen C0950123, MeSH D030342.
Charcot-Marie-Tooth disease type 2. Also called: Charcot-Marie-Tooth type 2. Identifiers: Orphanet 64746, MedGen C0270914, MONDO:0018993.

Allele frequency attached by ClinVar (database versions not stated): TOPMed below 0.00001.
gnomAD v4.1: 1 of 1,614,144 alleles (0.000062%); highest among the groups gnomAD compares: Non-Finnish European, 0.000085%; no homozygotes.

Submissions (2):

Labcorp Genetics (formerly Invitae), Labcorp
Classification: Uncertain significance for Charcot-Marie-Tooth disease type 2. Last evaluated: 2024-09-11. Review status: criteria provided, single submitter. Criteria: Invitae Variant Classification Sherloc (09022015). Collection method: clinical testing. Allele origin: germline.
Comment: This sequence change replaces methionine, which is neutral and non-polar, with valine, which is neutral and non-polar, at codon 335 of the MFN2 protein (p.Met335Val). This variant is not present in population databases (gnomAD no frequency). This variant has not been reported in the literature in individuals affected with MFN2-related conditions. ClinVar contains an entry for this variant (Variation ID: 582015). Invitae Evidence Modeling of protein sequence and biophysical properties (such as structural, functional, and spatial information, amino acid conservation, physicochemical variation, residue mobility, and thermodynamic stability) has been performed for this missense variant. However, the output from this modeling did not meet the statistical confidence thresholds required to predict the impact of this variant on MFN2 protein function. Algorithms developed to predict the effect of sequence changes on RNA splicing suggest that this variant may disrupt the consensus splice site. In summary, the available evidence is currently insufficient to determine the role of this variant in disease. Therefore, it has been classified as a Variant of Uncertain Significance.

Ambry Genetics
Classification: Uncertain significance for Inborn genetic diseases. Last evaluated: 2020-02-03. Review status: criteria provided, single submitter. Criteria: Ambry Variant Classification Scheme 2023. Collection method: clinical testing. Allele origin: germline.
Comment: The p.M335V variant (also known as c.1003A>G), located in coding exon 8 of the MFN2 gene, results from an A to G substitution at nucleotide position 1003. The methionine at codon 335 is replaced by valine, an amino acid with highly similar properties. This amino acid position is well conserved in available vertebrate species. In addition, the in silico prediction for this alteration is inconclusive. Since supporting evidence is limited at this time, the clinical significance of this alteration remains unclear.